The following is an entry in ClinVar:

NM_002907.4(RECQL):c.1203G>C (p.Glu401Asp)

Gene: RECQL (RecQ like helicase; minus strand). Cytogenetic location: 12p12.1.
Variant type: single nucleotide variant.
Coding change: c.1203G>C on transcript NM_002907.4 (MANE Select); coding-DNA position 1203, G replaced by C.
Protein change: p.Glu401Asp; replaces glutamic acid 401 with aspartic acid.
Molecular consequence: missense variant.
Genome position (GRCh38, 1-based): chr12:21,475,481, C>G on the plus strand (G>C on the coding strand, the complement: RECQL is on the minus strand). VCF-style: chr12-21475481-C-G. GRCh37 (hg19) VCF-style: chr12-21628415-C-G.
Other names: c.1203G>C, p.Glu401Asp (NM_032941.3); short protein forms E401D.
Identifiers: ClinVar variation 4576952 (VCV004576952.1).
Genomic context (GRCh38, chr12:21,475,481, plus strand): 5'-TGGAAAAGCTTTCTAAAAATTTACTTCTGGATTTGAGTCCTACATACCTGCACGTCCACT[C>G]TCTTGGTAATAATTTTCCATGGATTTACTCATTGAATGATGGATAACAAACCTCACATCT-3'
Protein context (NP_002898.2, residues 391-411): MSKSMENYYQ[Glu401Asp]SGRAGRDDMK

ClinVar aggregate classification (germline): Uncertain significance (1 of 4 stars; one submission).

Submission:

Ambry Genetics
Classification: Uncertain significance. Last evaluated: 2025-11-16. Review status: criteria provided, single submitter. Criteria: Ambry Variant Classification Scheme 2023. Collection method: clinical testing. Allele origin: germline.
Comment: The p.E401D variant (also known as c.1203G>C), located in coding exon 9 of the RECQL gene, results from a G to C substitution at nucleotide position 1203. The glutamic acid at codon 401 is replaced by aspartic acid, an amino acid with highly similar properties. This amino acid position is conserved. In addition, this alteration is predicted to be deleterious by in silico analysis. Based on the available evidence, the clinical significance of this variant remains unclear.